The following is an entry in ClinVar:

NM_000363.5(TNNI3):c.533A>C (p.Lys178Thr)

Gene: TNNI3 (troponin I3, cardiac type; minus strand). Cytogenetic location: 19q13.42.
Variant type: single nucleotide variant.
Coding change: c.533A>C on transcript NM_000363.5 (MANE Select); coding-DNA position 533, A replaced by C.
Protein change: p.Lys178Thr; replaces lysine 178 with threonine.
Molecular consequence: missense variant.
Genome position (GRCh38, 1-based): chr19:55,154,046, T>G on the plus strand (A>C on the coding strand, the complement: TNNI3 is on the minus strand). VCF-style: chr19-55154046-T-G. GRCh37 (hg19) VCF-style: chr19-55665414-T-G.
Other names: short protein forms K178T.
Identifiers: ClinVar variation 2765033 (VCV002765033.3), dbSNP rs2085711157, ClinGen allele CA407440248.

ClinVar aggregate classification (germline): Uncertain significance (1 of 4 stars; one submission).

Conditions:
Hypertrophic cardiomyopathy. Also called: HYPERTROPHIC MYOCARDIOPATHY. Identifiers: Orphanet 217569, MedGen C0007194, MeSH D002312, MONDO:0005045, HP:0001639.

Submission:

Labcorp Genetics (formerly Invitae), Labcorp
Classification: Uncertain significance for Hypertrophic cardiomyopathy. Last evaluated: 2023-10-04. Review status: criteria provided, single submitter. Criteria: Invitae Variant Classification Sherloc (09022015). Collection method: clinical testing. Allele origin: germline.
Comment: This sequence change replaces lysine, which is basic and polar, with threonine, which is neutral and polar, at codon 178 of the TNNI3 protein (p.Lys178Thr). This variant is not present in population databases (gnomAD no frequency). This variant has not been reported in the literature in individuals affected with TNNI3-related conditions. An algorithm developed to predict the effect of missense changes on protein structure and function (PolyPhen-2) suggests that this variant is likely to be disruptive. This variant disrupts the p.Lys178 amino acid residue in TNNI3. Other variant(s) that disrupt this residue have been determined to be pathogenic (PMID: 12531876). This suggests that this residue is clinically significant, and that variants that disrupt this residue are likely to be disease-causing. In summary, the available evidence is currently insufficient to determine the role of this variant in disease. Therefore, it has been classified as a Variant of Uncertain Significance.

Literature cited by the submitters: PubMed 12531876.